The following is an entry in ClinVar:

NM_016553.5(NUP62):c.661C>T (p.Leu221Phe)

Genes: IL4I1 (interleukin 4 induced 1; minus strand), NUP62 (nucleoporin 62; minus strand). Cytogenetic location: 19q13.33.
Variant type: single nucleotide variant.
Coding change: c.661C>T on transcript NM_016553.5 (MANE Select); coding-DNA position 661, C replaced by T.
Protein change: p.Leu221Phe; replaces leucine 221 with phenylalanine.
Molecular consequence: missense variant. On other transcripts: intron variant (3).
Genome position (GRCh38, 1-based): chr19:49,909,147, G>A on the plus strand (C>T on the coding strand, the complement: NUP62 is on the minus strand). VCF-style: chr19-49909147-G-A. GRCh37 (hg19) VCF-style: chr19-50412404-G-A.
Other names: c.661C>T, p.Leu221Phe (NM_001193357.2, NM_012346.5, NM_153718.4 and 1 more transcripts); c.-227-4826C>T (NM_001258017.2, NM_172374.3); c.-285-4826C>T (NM_001258018.2); short protein forms L221F.
Identifiers: ClinVar variation 1405511 (VCV001405511.7), dbSNP rs554308671, ClinGen allele CA9589085.

ClinVar aggregate classification (germline): Uncertain significance (1 of 4 stars; one submission).

Allele frequency attached by ClinVar (database versions not stated): gnomAD exomes 0.00001 and 0.00004; 1000 Genomes Project 0.00020; gnomAD 0.00001; 1000 Genomes Project 30x 0.00016; ExAC 0.00002.
gnomAD v4.1: 52 of 1,613,150 alleles (0.0032%); highest among the groups gnomAD compares: East Asian, 0.11%; 1 homozygote.

Submission:

Labcorp Genetics (formerly Invitae), Labcorp
Classification: Uncertain significance. Last evaluated: 2024-12-02. Review status: criteria provided, single submitter. Criteria: Invitae Variant Classification Sherloc (09022015). Collection method: clinical testing. Allele origin: germline.
Comment: This sequence change replaces leucine, which is neutral and non-polar, with phenylalanine, which is neutral and non-polar, at codon 221 of the NUP62 protein (p.Leu221Phe). This variant is present in population databases (rs554308671, gnomAD 0.01%). This variant has not been reported in the literature in individuals affected with NUP62-related conditions. ClinVar contains an entry for this variant (Variation ID: 1405511). An algorithm developed to predict the effect of missense changes on protein structure and function (PolyPhen-2) suggests that this variant is likely to be disruptive. In summary, the available evidence is currently insufficient to determine the role of this variant in disease. Therefore, it has been classified as a Variant of Uncertain Significance.